The following is an entry in ClinVar:

ClinVar aggregate classification (germline): Uncertain significance (1 of 4 stars; one submission).

Conditions:
HTR2C-related disorder. Also called: HTR2C-related condition.

Submission:

PreventionGenetics, part of Exact Sciences
Classification: Uncertain significance for HTR2C-related condition. Last evaluated: 2025-02-05. Review status: criteria provided, single submitter. Criteria: ACMG Guidelines, 2015. Collection method: clinical testing. Allele origin: germline.
Comment: The HTR2C c.1298G>A variant is predicted to result in the amino acid substitution p.Gly433Asp. To our knowledge, this variant has not been reported in the literature or in a large population database (gnomAD), indicating this variant is rare. At this time, the clinical significance of this variant is uncertain due to the absence of conclusive functional and genetic evidence.

NM_000868.4(HTR2C):c.1298G>A (p.Gly433Asp)

Genes: HTR2C (5-hydroxytryptamine receptor 2C; plus strand), LOC126863306 (MED14-independent group 3 enhancer GRCh37_chrX:114140926-114142125; plus strand). Cytogenetic location: Xq23.
Variant type: single nucleotide variant.
Coding change: c.1298G>A on transcript NM_000868.4 (MANE Select); coding-DNA position 1298, G replaced by A.
Protein change: p.Gly433Asp; replaces glycine 433 with aspartic acid.
Molecular consequence: missense variant. On other transcripts: 3 prime UTR variant (1).
Genome position (GRCh38, 1-based): chrX:114,907,336, G>A. VCF-style: chrX-114907336-G-A. GRCh37 (hg19) VCF-style: chrX-114141899-G-A.
Other names: c.1298G>A, p.Gly433Asp (NM_001256760.3); c.*456G>A (NM_001256761.3); short protein forms G433D.
Identifiers: ClinVar variation 4999701 (VCV004999701.1).